The following is an entry in ClinVar:

NM_006208.3(ENPP1):c.2471A>G (p.Glu824Gly)

Gene: ENPP1 (ectonucleotide pyrophosphatase/phosphodiesterase 1; plus strand). Cytogenetic location: 6q23.2.
Variant type: single nucleotide variant.
Coding change: c.2471A>G on transcript NM_006208.3 (MANE Select); coding-DNA position 2471, A replaced by G.
Protein change: p.Glu824Gly; replaces glutamic acid 824 with glycine.
Molecular consequence: missense variant.
Genome position (GRCh38, 1-based): chr6:131,886,588, A>G. VCF-style: chr6-131886588-A-G. GRCh37 (hg19) VCF-style: chr6-132207728-A-G.
Other names: short protein forms E824G.
Identifiers: ClinVar variation 2240237 (VCV002240237.5), dbSNP rs946407399, ClinGen allele CA147904234.

ClinVar aggregate classification (germline): Uncertain significance. Review status: criteria provided, multiple submitters, no conflicts (2 of 4 stars). 2 submissions from 2 submitters: Uncertain significance (2). Last evaluated 2022-11-02.

Conditions:
Inborn genetic diseases. Identifiers: MedGen C0950123, MeSH D030342.

Allele frequency attached by ClinVar (database versions not stated): gnomAD exomes below 0.00001; TOPMed 0.00002.
gnomAD v4.1: 1 of 1,613,874 alleles (0.000062%); highest among the groups gnomAD compares: African/African-American, 0.0013%; no homozygotes.

Submissions (2):

Labcorp Genetics (formerly Invitae), Labcorp
Classification: Uncertain significance. Last evaluated: 2022-11-02. Review status: criteria provided, single submitter. Criteria: Invitae Variant Classification Sherloc (09022015). Collection method: clinical testing. Allele origin: germline.
Comment: Advanced modeling of protein sequence and biophysical properties (such as structural, functional, and spatial information, amino acid conservation, physicochemical variation, residue mobility, and thermodynamic stability) performed at Invitae indicates that this missense variant is not expected to disrupt ENPP1 protein function. This sequence change replaces glutamic acid, which is acidic and polar, with glycine, which is neutral and non-polar, at codon 824 of the ENPP1 protein (p.Glu824Gly). This variant is not present in population databases (gnomAD no frequency). This variant has not been reported in the literature in individuals affected with ENPP1-related conditions. In summary, the available evidence is currently insufficient to determine the role of this variant in disease. Therefore, it has been classified as a Variant of Uncertain Significance.

Ambry Genetics
Classification: Uncertain significance for Inborn genetic diseases. Last evaluated: 2021-08-02. Review status: criteria provided, single submitter. Criteria: Ambry Variant Classification Scheme 2023. Collection method: clinical testing. Allele origin: germline.